The following is an entry in ClinVar:

ClinVar aggregate classification (germline): Uncertain significance (1 of 4 stars; one submission).

Submission:

Labcorp Genetics (formerly Invitae), Labcorp
Classification: Uncertain significance. Last evaluated: 2021-05-08. Review status: criteria provided, single submitter. Criteria: Invitae Variant Classification Sherloc (09022015). Collection method: clinical testing. Allele origin: germline.
Comment: This sequence change replaces valine with alanine at codon 1024 of the CACNA1D protein (p.Val1024Ala). The valine residue is highly conserved and there is a small physicochemical difference between valine and alanine. This variant is not present in population databases (ExAC no frequency). This variant has not been reported in the literature in individuals with CACNA1D-related conditions. Algorithms developed to predict the effect of missense changes on protein structure and function (SIFT, PolyPhen-2, Align-GVGD) all suggest that this variant is likely to be disruptive, but these predictions have not been confirmed by published functional studies and their clinical significance is uncertain. In summary, the available evidence is currently insufficient to determine the role of this variant in disease. Therefore, it has been classified as a Variant of Uncertain Significance.

NM_001128840.3(CACNA1D):c.3011T>C (p.Val1004Ala)

Gene: CACNA1D (calcium voltage-gated channel subunit alpha1 D; plus strand). Cytogenetic location: 3p21.1.
Variant type: single nucleotide variant.
Coding change: c.3011T>C on transcript NM_001128840.3 (MANE Select); coding-DNA position 3011, T replaced by C.
Protein change: p.Val1004Ala; replaces valine 1004 with alanine.
Molecular consequence: missense variant.
Genome position (GRCh38, 1-based): chr3:53,745,628, T>C. VCF-style: chr3-53745628-T-C. GRCh37 (hg19) VCF-style: chr3-53779655-T-C.
Other names: c.3071T>C, p.Val1024Ala (NM_000720.4); c.3011T>C, p.Val1004Ala (NM_001128839.3); short protein forms V1024A, V1004A.
Identifiers: ClinVar variation 1504630 (VCV001504630.8), dbSNP rs2108842248, ClinGen allele CA353246311.